The following is an entry in ClinVar:

ClinVar aggregate classification (germline): Pathogenic/Likely pathogenic. Review status: criteria provided, multiple submitters, no conflicts (2 of 4 stars). 9 submissions from 9 submitters: Pathogenic (6); Likely pathogenic (2). 1 of the submissions does not count toward it. Last evaluated 2025-12-29.

Conditions:
Hereditary spastic paraplegia 30. Identifiers: Orphanet 101010, MedGen C5235139, MONDO:0012476.
KIF1A-related disorder. Also called: KIF1A-related disorders; KIF1A-related condition.
Neuropathy, hereditary sensory, type 2C. Also called: Hereditary sensory and autonomic neuropathy type IIC; KIF1A-Related HSAN2 (HSAN2C). Identifiers: Orphanet 970, MedGen C3280168, MONDO:0013634, OMIM 614213.
Intellectual disability, autosomal dominant 9 (NESCAVS). Also called: KIF1A-Related Neurodevelopmental Disorder; NESCAV SYNDROME. Identifiers: Orphanet 662367, MedGen C5393830, MONDO:0013656, OMIM 614255.

Submissions (9):

3billion
Classification: Pathogenic for Intellectual disability, autosomal dominant 9. Last evaluated: 2025-12-29. Review status: criteria provided, single submitter. Criteria: ACMG Guidelines, 2015. Collection method: clinical testing. Allele origin: germline. Affected: yes.
Comment: The variant is not observed in the gnomAD v4.1.0 dataset. Predicted Consequence/Location: The variant is located in a mutational hot spot and/or well-established functional domain in which established pathogenic variants have been reported (PMID: 31488895). In silico tool predictions suggest damaging effect of the variant on gene or gene product [REVEL: 0.93 (>=0.6, sensitivity 0.68 and specificity 0.92); 3Cnet: 1.00 (> 0.75, sensitivity 0.96 and precision 0.92)]. The same nucleotide change resulting in the same amino acid change has been previously reported as pathogenic/likely pathogenic with strong evidence (ClinVar ID: VCV000418275 /PMID: 26354034 /3billion dataset). The variant has been previously reported as de novo in a similarly affected individual (PMID: 26354034). Different missense changes at the same codon (p.Arg307Gly, p.Arg307Pro) have been reported as pathogenic/likely pathogenic with strong evidence (ClinVar ID: VCV000435636, VCV000869126 /PMID: 29915382, 32096284). Therefore, this variant is classified as Pathogenic according to the recommendation of ACMG/AMP guideline.

PreventionGenetics, part of Exact Sciences
Classification: Pathogenic for KIF1A-related condition. Last evaluated: 2022-09-12. Review status: criteria provided, single submitter. Criteria: ACMG Guidelines, 2015. Collection method: clinical testing. Allele origin: germline.
Comment: The KIF1A c.920G>A variant is predicted to result in the amino acid substitution p.Arg307Gln. This variant, also referred to as c.902G>A, has been documented as de novo in multiple patients with spastic paraplegia, optic neve atrophy, brain anomalies, peripheral neuropathy, cognitive and language impairment, and motor delays (Hotchkiss et al. 2016. PubMed ID: 27034427; Patient 3 Ohba et al. 2015. PubMed ID: 26354034; Patients 8 and 9 in Nicita et al. 2020. PubMed ID: 32737135 ) and in a patient from a neurodevelopmental disorder cohort (Patient 18, Chérot et al. 2017. PubMed ID: 28708303). This variant has not been reported in a large population database, indicating this variant is rare. This variant has been interpreted by multiple laboratories in ClinVar as pathogenic and likely pathogenic. In addition, other variants impacting the same amino acid residue (p.Arg307Gly and p.Arg307Pro) have also been reported in a patient with cerebellar ataxia (Patient 041 in Sun et al. 2019. PubMed ID: 29915382) and in twins with brain anomalies, epilepsy, and neuropathy (Patient 5A and 5B in Nemani et al. 2020. PubMed ID: 32096284). Based on this evidence, the c.920G>A (p.Arg307Gln) variant is interpreted as pathogenic.

GeneDx
Classification: Pathogenic. Last evaluated: 2021-11-12. Review status: criteria provided, single submitter. Criteria: GeneDx Variant Classification Process June 2021. Collection method: clinical testing. Allele origin: germline. Affected: yes.
Comment: Not observed in large population cohorts (gnomAD); In silico analysis supports that this missense variant has a deleterious effect on protein structure/function; This variant is associated with the following publications: (PMID: 26354034, 27034427, 28332297, 28708303, 28970574, 32737135, 34121983, 33880452, 31785789, 31805580, 21376300, 26125038, 21820098)

Labcorp Genetics (formerly Invitae), Labcorp
Classification: Pathogenic for Hereditary spastic paraplegia 30; Neuropathy, hereditary sensory, type 2C; Intellectual disability, autosomal dominant 9. Last evaluated: 2021-09-15. Review status: criteria provided, single submitter. Criteria: Invitae Variant Classification Sherloc (09022015). Collection method: clinical testing. Allele origin: germline.
Comment: For these reasons, this variant has been classified as Pathogenic. Advanced modeling of protein sequence and biophysical properties (such as structural, functional, and spatial information, amino acid conservation, physicochemical variation, residue mobility, and thermodynamic stability) performed at Invitae indicates that this missense variant is expected to disrupt KIF1A protein function. ClinVar contains an entry for this variant (Variation ID: 418275). This variant is also known as c.902G>A. This missense change has been observed in individual(s) with KIF1A-related conditions (PMID: 26354034, 27034427, 28708303). In at least one individual the variant was observed to be de novo. This variant is not present in population databases (ExAC no frequency). This sequence change replaces arginine with glutamine at codon 307 of the KIF1A protein (p.Arg307Gln). The arginine residue is highly conserved and there is a small physicochemical difference between arginine and glutamine.

SIB Swiss Institute of Bioinformatics
Classification: Likely pathogenic for Intellectual disability, autosomal dominant 9. Last evaluated: 2020-06-15. Review status: criteria provided, single submitter. Criteria: ACMG Guidelines, 2015. Collection method: curation. Allele origin: unknown.
Comment: This variant is interpreted as likely pathogenic for NESCAV syndrome, autosomal dominant. The following ACMG Tag(s) were applied: Absent from controls (or at extremely low frequency if recessive) in Exome Sequencing Project, 1000 Genomes Project, or Exome Aggregation Consortium (PM2); Multiple lines of computational evidence support a deleterious effect on the gene or gene product (PP3); Missense variant in a gene that has a low rate of benign missense variation and in which missense variants are a common mechanism of disease (PP2); De novo (paternity and maternity confirmed) (PS2).

Broad Center for Mendelian Genomics, Broad Institute of MIT and Harvard
Classification: Likely pathogenic for Intellectual disability, autosomal dominant 9. Last evaluated: 2018-12-03. Review status: criteria provided, single submitter. Criteria: ACMG Guidelines, 2015. Collection method: research. Allele origin: de novo. Inheritance: Autosomal dominant inheritance. Affected: yes.
Comment: Trio exome analysis showed this variant to be de novo. This variant was absent from large population studies and is predicted to shorten the length of the protein by three residues due to an in-frame deletion. Computational prediction tools and conservation analyses suggest that this variant may impact the protein, though this information is not predictive enough to determine pathogenicity. In summary, although additional studies are required to fully establish its clinical significance, the p.Glu209_Pro211del variant is likely pathogenic. ACMG/AMP Criteria applied: PM2, PS2, PM4, PP3 (Richards 2015).

Groupe Hospitalier Pitie Salpetriere, Uf Genomique Du Developpement, Assistance Publique Hopitaux de Paris Sorbonne Université
Classification: Pathogenic for Mental retardation, autosomal dominant 9. Last evaluated: 2017-01-06. Review status: criteria provided, single submitter. Criteria: ACMG Guidelines, 2015. Collection method: clinical testing. Allele origin: de novo. Affected: yes. Observed: 1 variant allele.
Comment: neurodegenerative syndrome; Intellectual disability; hypotonia; cerebellar atrophy; optic nerve atrophy; congenital retinal dystrophy; pyramidal syndrome (Rossolimo and Babinsky signs)

Neuberg Centre For Genomic Medicine, NCGM
Classification: Pathogenic for Intellectual disability, autosomal dominant 9. Review status: criteria provided, single submitter. Criteria: ACMG Guidelines, 2015. Collection method: clinical testing. Allele origin: germline. Inheritance: Autosomal dominant inheritance. Affected: yes.
Comment: The c.920G>A (p.Arg307Gln) missense variant in KIF1A gene has been reported in individuals affected with intellectual disability, cerebellar atrophy, spasticity and optic atrophy (Hotchkiss et al., 2016; Ohba et al., 2015), and an individual with neurodevelopmental disorder (Chérot et al., 2018). The p.Arg307Gln variant is novel (not in any individuals) in gnomAD Exomes and 1000 Genomes. It has been submitted to ClinVar with varying interpretations: Pathogenic/Likely Pathogenic. The amino acid Arg at position 307 is changed to a Gln changing protein sequence and it might alter its composition and physico-chemical properties. The amino acid change p.Arg307Gln in KIF1A is predicted as conserved by GERP++ and PhyloP across 100 vertebrates. For these reasons, this variant has been classified as Pathogenic.

Solve-RD Consortium
Classification: Likely pathogenic for Spastic paraplegia 30A, autosomal dominant. Last evaluated: 2022-06-01. Review status: no assertion criteria provided. Collection method: provider interpretation. Allele origin: inherited. Affected: yes. Not counted in ClinVar's aggregate classification.
Comment: Variant confirmed as disease-causing by referring clinical team

Variant identified during reanalysis of unsolved cases by the Solve-RD project. The Solve-RD project has received funding from the European Union’s Horizon 2020 research and innovation programme under grant agreement No 779257.

Literature cited by the submitters: PubMed 29915382 (cited by 3billion); PubMed 26354034 (cited by 3 submitters); PubMed 27034427 (cited by Labcorp Genetics (formerly Invitae), Labcorp and SIB Swiss Institute of Bioinformatics); PubMed 28708303 (cited by Labcorp Genetics (formerly Invitae), Labcorp and Groupe Hospitalier Pitie Salpetriere, Uf Genomique Du Developpement, Assistance Publique Hopitaux de Paris Sorbonne Université); PubMed 39825153 (cited by Solve-RD Consortium).

NM_001244008.2(KIF1A):c.920G>A (p.Arg307Gln)

Gene: KIF1A (kinesin family member 1A; minus strand). Cytogenetic location: 2q37.3.
Variant type: single nucleotide variant.
Coding change: c.920G>A on transcript NM_001244008.2 (MANE Select); coding-DNA position 920, G replaced by A.
Protein change: p.Arg307Gln; replaces arginine 307 with glutamine.
Molecular consequence: missense variant.
Genome position (GRCh38, 1-based): chr2:240,775,889, C>T on the plus strand (G>A on the coding strand, the complement: KIF1A is on the minus strand). VCF-style: chr2-240775889-C-T. GRCh37 (hg19) VCF-style: chr2-241715306-C-T.
Other names: c.920G>A, p.Arg307Gln (NM_001320705.2, NM_001330289.2, NM_001330290.2 and 20 more transcripts); short protein forms R307Q.
Identifiers: ClinVar variation 418275 (VCV000418275.19), dbSNP rs1064793161, ClinGen allele CA16617510.
Genomic context (GRCh38, chr2:240,775,889, plus strand): 5'-AGGCAAACCCACAAGTTCTCACCCAGGTTTTCCCGGAGGAGCCAGGTCAACACGGAATCT[C>T]GGTACGGAATGAAATCTGTCTTCTTCTTTTTCTTGTTCTGTGGGGGAGGAACATTCAAGG-3'
Protein context (NP_001230937.1, residues 297-317): KKKKTDFIPY[Arg307Gln]DSVLTWLLRE